The following is an entry in ClinVar:

ClinVar aggregate classification (germline): Uncertain significance (1 of 4 stars; one submission).

Conditions:
Hereditary cancer-predisposing syndrome. Also called: Neoplastic Syndromes, Hereditary; Tumor predisposition; Hereditary Cancer Syndrome; Hereditary neoplastic syndrome. Identifiers: Orphanet 140162, MedGen C0027672, MeSH D009386, MONDO:0015356.

Submission:

Color Diagnostics, LLC DBA Color Health
Classification: Uncertain significance for Hereditary cancer-predisposing syndrome. Last evaluated: 2023-12-04. Review status: criteria provided, single submitter. Criteria: ACMG Guidelines, 2015. Collection method: clinical testing. Allele origin: germline.
Comment: This missense variant replaces arginine with lysine at codon 1119 of the BRIP1 protein. Computational prediction suggests that this variant may not impact protein structure and function (internally defined REVEL score threshold <= 0.5, PMID: 27666373). To our knowledge, functional studies have not been reported for this variant. This variant has not been reported in individuals affected with BRIP1-related disorders in the literature. This variant has not been identified in the general population by the Genome Aggregation Database (gnomAD). The available evidence is insufficient to determine the role of this variant in disease conclusively. Therefore, this variant is classified as a Variant of Uncertain Significance.

NM_032043.3(BRIP1):c.3356G>A (p.Arg1119Lys)

Gene: BRIP1 (BRCA1 interacting DNA helicase 1; minus strand). Cytogenetic location: 17q23.2.
Variant type: single nucleotide variant.
Coding change: c.3356G>A on transcript NM_032043.3 (MANE Select); coding-DNA position 3356, G replaced by A.
Protein change: p.Arg1119Lys; replaces arginine 1119 with lysine.
Molecular consequence: missense variant.
Genome position (GRCh38, 1-based): chr17:61,683,690, C>T on the plus strand (G>A on the coding strand, the complement: BRIP1 is on the minus strand). VCF-style: chr17-61683690-C-T. GRCh37 (hg19) VCF-style: chr17-59761051-C-T.
Other names: short protein forms R1119K.
Identifiers: ClinVar variation 919812 (VCV000919812.4), dbSNP rs2061310147, ClinGen allele CA400478911.